The following is an entry in ClinVar:

ClinVar aggregate classification (germline): Likely benign. Review status: criteria provided, single submitter (1 of 4 stars). 3 submissions from 1 submitter: Likely benign (3). Last evaluated 2017-04-27.

Conditions:
Retinitis pigmentosa (RP). Identifiers: Orphanet 791, MedGen C0035334, MeSH D012174, MONDO:0019200, OMIM 268000. Inheritance: Autosomal dominant, autosomal recessive and X linked inheritance.
Leber congenital amaurosis 7 (LCA7). Identifiers: Orphanet 65, MedGen C3151192, MONDO:0013449, OMIM 613829.
Cone-rod dystrophy 2 (CORD2). Also called: CONE-ROD RETINAL DYSTROPHY; Cone-rod retinal dystrophy 2. Identifiers: Orphanet 1872, MedGen C3489532, MONDO:0007362, OMIM 120970.

Allele frequency attached by ClinVar (database versions not stated): 1000 Genomes Project 0.00060; 1000 Genomes Project 30x 0.00078; gnomAD 0.00121 and 0.00126; TOPMed 0.00129.

Submissions (3):

Illumina Laboratory Services, Illumina
Classification: Likely benign for Retinitis pigmentosa. Last evaluated: 2017-04-27. Review status: criteria provided, single submitter. Criteria: ICSL Variant Classification Criteria 13 December 2019. Collection method: clinical testing. Allele origin: germline.
Comment: This variant was observed as part of a predisposition screen in an ostensibly healthy population. A literature search was performed for the gene, cDNA change, and amino acid change (where applicable). No publications were found based on this search. Allele frequency data from public databases allowed determination this variant is unlikely to cause disease. Therefore, this variant is classified as likely benign.

Illumina Laboratory Services, Illumina
Classification: Likely benign for Cone-rod dystrophy 2. Last evaluated: 2017-04-27. Review status: criteria provided, single submitter. Criteria: ICSL Variant Classification Criteria 13 December 2019. Collection method: clinical testing. Allele origin: germline.
Comment: the same text as in the submission from Illumina Laboratory Services, Illumina above.

Illumina Laboratory Services, Illumina
Classification: Likely benign for Leber congenital amaurosis 7. Last evaluated: 2017-04-27. Review status: criteria provided, single submitter. Criteria: ICSL Variant Classification Criteria 13 December 2019. Collection method: clinical testing. Allele origin: germline.
Comment: the same text as in the submission from Illumina Laboratory Services, Illumina above.

NM_000554.6(CRX):c.*1148G>C

Gene: CRX (cone-rod homeobox; plus strand). Cytogenetic location: 19q13.33.
Variant type: single nucleotide variant.
Coding change: c.*1148G>C on transcript NM_000554.6 (MANE Select); 1148 bases downstream of the stop codon, G replaced by C.
Molecular consequence: 3 prime UTR variant.
Genome position (GRCh38, 1-based): chr19:47,841,115, G>C. VCF-style: chr19-47841115-G-C. GRCh37 (hg19) VCF-style: chr19-48344372-G-C.
Identifiers: ClinVar variation 329736 (VCV000329736.5), dbSNP rs139073763, ClinGen allele CA10652165.